The following is an entry in ClinVar:

NM_198123.2(CSMD3):c.5740A>G (p.Ile1914Val)

Gene: CSMD3 (CUB and Sushi multiple domains 3; minus strand). Cytogenetic location: 8q23.3.
Variant type: single nucleotide variant.
Coding change: c.5740A>G on transcript NM_198123.2 (MANE Select); coding-DNA position 5740, A replaced by G.
Protein change: p.Ile1914Val; replaces isoleucine 1914 with valine.
Molecular consequence: missense variant.
Genome position (GRCh38, 1-based): chr8:112,406,593, T>C on the plus strand (A>G on the coding strand, the complement: CSMD3 is on the minus strand). VCF-style: chr8-112406593-T-C. GRCh37 (hg19) VCF-style: chr8-113418822-T-C.
Other names: c.5140A>G, p.Ile1714Val (NM_001363185.1); c.5428A>G, p.Ile1810Val (NM_052900.3); c.5620A>G, p.Ile1874Val (NM_198124.2); short protein forms I1874V, I1810V, I1714V, I1914V.
Identifiers: ClinVar variation 785261 (VCV000785261.5), dbSNP rs80277352, ClinGen allele CA4849786.

ClinVar aggregate classification (germline): Benign. Review status: criteria provided, single submitter (1 of 4 stars). 2 submissions from 2 submitters: Benign (1). 1 of the submissions does not count toward it. Last evaluated 2018-05-31.

Conditions:
CSMD3-related disorder. Also called: CSMD3-related condition.

Allele frequency attached by ClinVar (database versions not stated): gnomAD exomes 0.00113 and 0.00303; ExAC 0.00384; 1000 Genomes Project 0.01158; gnomAD 0.01193 and 0.01290; 1000 Genomes Project 30x 0.01218; TOPMed 0.01285; ESP Exome Variant Server 0.01299.
gnomAD v4.1: 3,537 of 1,612,758 alleles (0.22%); highest among the groups gnomAD compares: African/African-American, 4.2%; 65 homozygotes.

Submissions (2):

Labcorp Genetics (formerly Invitae), Labcorp
Classification: Benign. Last evaluated: 2018-05-31. Review status: criteria provided, single submitter. Criteria: Invitae Variant Classification Sherloc (09022015). Collection method: clinical testing. Allele origin: germline.

PreventionGenetics, part of Exact Sciences
Classification: Benign for CSMD3-related condition. Last evaluated: 2019-03-19. Review status: no assertion criteria provided. Collection method: clinical testing. Allele origin: germline. Not counted in ClinVar's aggregate classification.
Comment: This variant is classified as benign based on ACMG/AMP sequence variant interpretation guidelines (Richards et al. 2015 PMID: 25741868, with internal and published modifications).